The following is an entry in ClinVar:

ClinVar aggregate classification (germline): Uncertain significance. Review status: criteria provided, multiple submitters, no conflicts (2 of 4 stars). 2 submissions from 2 submitters: Uncertain significance (2). Last evaluated 2024-04-25.

Allele frequency attached by ClinVar (database versions not stated): gnomAD 0.00001; gnomAD exomes 0.00001; TOPMed 0.00003.
gnomAD v4.1: 7 of 1,613,916 alleles (0.00043%); highest among the groups gnomAD compares: Admixed American, 0.0083%; no homozygotes.

Submissions (2):

GeneDx
Classification: Uncertain significance. Last evaluated: 2024-04-25. Review status: criteria provided, single submitter. Criteria: GeneDx Variant Classification Process June 2021. Collection method: clinical testing. Allele origin: germline. Affected: yes.
Comment: Not observed at significant frequency in large population cohorts (gnomAD); In silico analysis supports that this missense variant has a deleterious effect on protein structure/function; In silico analysis indicates that this missense variant does not alter protein structure/function; Has not been previously published as pathogenic or benign to our knowledge; This variant is associated with the following publications: (PMID: 24154662)

Labcorp Genetics (formerly Invitae), Labcorp
Classification: Uncertain significance. Last evaluated: 2022-09-19. Review status: criteria provided, single submitter. Criteria: Invitae Variant Classification Sherloc (09022015). Collection method: clinical testing. Allele origin: germline.
Comment: This sequence change replaces glycine, which is neutral and non-polar, with serine, which is neutral and polar, at codon 218 of the USH1C protein (p.Gly218Ser). This variant is not present in population databases (gnomAD no frequency). This missense change has been observed in individual(s) with clinical features of retinitis pigmentosa (PMID: 24154662). ClinVar contains an entry for this variant (Variation ID: 1524689). Algorithms developed to predict the effect of missense changes on protein structure and function are either unavailable or do not agree on the potential impact of this missense change (SIFT: "Tolerated"; PolyPhen-2: "Possibly Damaging"; Align-GVGD: "Class C0"). Algorithms developed to predict the effect of sequence changes on RNA splicing suggest that this variant may disrupt the consensus splice site. In summary, the available evidence is currently insufficient to determine the role of this variant in disease. Therefore, it has been classified as a Variant of Uncertain Significance.

Literature cited by the submitters: PubMed 24154662 (cited by Labcorp Genetics (formerly Invitae), Labcorp).

NM_153676.4(USH1C):c.652G>A (p.Gly218Ser)

Gene: USH1C (USH1 protein network component harmonin; minus strand). Cytogenetic location: 11p15.1.
Variant type: single nucleotide variant.
Coding change: c.652G>A on transcript NM_153676.4 (MANE Select); coding-DNA position 652, G replaced by A.
Protein change: p.Gly218Ser; replaces glycine 218 with serine.
Molecular consequence: missense variant. On other transcripts: non-coding transcript variant (1).
Genome position (GRCh38, 1-based): chr11:17,526,369, C>T on the plus strand (G>A on the coding strand, the complement: USH1C is on the minus strand). VCF-style: chr11-17526369-C-T. GRCh37 (hg19) VCF-style: chr11-17547916-C-T.
Other names: c.652G>A, p.Gly218Ser (NM_001297764.2, NM_005709.4); c.652G>A (NM_005709.3); short protein forms G218S.
Identifiers: ClinVar variation 1524689 (VCV001524689.4), dbSNP rs1850672659, ClinGen allele CA379793305.
Genomic context (GRCh38, chr11:17,526,369, plus strand): 5'-CTGGCCACGAATGACCCCAGGGCATGCCTGCCACCCACCTGCAGCCAAGGCCTCGGGAGC[C>T]TACCAGGCTGATGAAGACCTTCTTCTCCTTGTTTTCCCGATTTCCAGGGGAGCCCAGGCT-3'
Protein context (NP_710142.1, residues 208-228): KEKKVFISLV[Gly218Ser]SRGLGCSISS